The following is an entry in ClinVar:

NM_001378477.3(NYX):c.942G>C (p.Trp314Cys)

Gene: NYX (nyctalopin; plus strand). Cytogenetic location: Xp11.4.
Variant type: single nucleotide variant.
Coding change: c.942G>C on transcript NM_001378477.3 (MANE Select); coding-DNA position 942, G replaced by C.
Protein change: p.Trp314Cys; replaces tryptophan 314 with cysteine.
Molecular consequence: missense variant.
Genome position (GRCh38, 1-based): chrX:41,474,410, G>C. VCF-style: chrX-41474410-G-C. GRCh37 (hg19) VCF-style: chrX-41333663-G-C.
Other names: c.957G>C (NM_022567.2); c.942G>C, p.Trp314Cys (NM_022567.3); short protein forms W314C.
Identifiers: ClinVar variation 2115031 (VCV002115031.6), dbSNP rs2519608403, ClinGen allele CA412991860.
Genomic context (GRCh38, chrX:41,474,410, plus strand): 5'-GAACCTCTCGGGTCTCCTCGCGCTGCACCTCAACGGCAACCGCCTCACCGTGCTCGCCTG[G>C]GTCGCCTTCCAGCCCGGCTTCTTCCTGGGCCGCCTCTTCCTCTTCCGCAACCCGTGGTGC-3'
Protein context (NP_001365406.2, residues 304-324): LNGNRLTVLA[Trp314Cys]VAFQPGFFLG

ClinVar aggregate classification (germline): Uncertain significance. Review status: criteria provided, multiple submitters, no conflicts (2 of 4 stars). 2 submissions from 2 submitters: Uncertain significance (2). Last evaluated 2025-01-06.

Conditions:
Inborn genetic diseases. Identifiers: MedGen C0950123, MeSH D030342.

Allele frequency attached by ClinVar (database versions not stated): gnomAD exomes below 0.00001.
gnomAD v4.1: 1 of 1,207,955 alleles (0.000083%); highest among the groups gnomAD compares: Non-Finnish European, 0.00011%; no homozygotes.

Submissions (2):

Labcorp Genetics (formerly Invitae), Labcorp
Classification: Uncertain significance. Last evaluated: 2025-01-06. Review status: criteria provided, single submitter. Criteria: Invitae Variant Classification Sherloc (09022015). Collection method: clinical testing. Allele origin: germline.
Comment: This sequence change replaces tryptophan, which is neutral and slightly polar, with cysteine, which is neutral and slightly polar, at codon 319 of the NYX protein (p.Trp319Cys). This variant is not present in population databases (gnomAD no frequency). This variant has not been reported in the literature in individuals affected with NYX-related conditions. ClinVar contains an entry for this variant (Variation ID: 2115031). Invitae Evidence Modeling of protein sequence and biophysical properties (such as structural, functional, and spatial information, amino acid conservation, physicochemical variation, residue mobility, and thermodynamic stability) indicates that this missense variant is not expected to disrupt NYX protein function with a negative predictive value of 80%. In summary, the available evidence is currently insufficient to determine the role of this variant in disease. Therefore, it has been classified as a Variant of Uncertain Significance.

Ambry Genetics
Classification: Uncertain significance for Inborn genetic diseases. Last evaluated: 2023-04-18. Review status: criteria provided, single submitter. Criteria: Ambry Variant Classification Scheme 2023. Collection method: clinical testing. Allele origin: germline.